The following is an entry in ClinVar:

NM_001904.4(CTNNB1):c.767T>C (p.Ile256Thr)

Gene: CTNNB1 (catenin beta 1; plus strand). Cytogenetic location: 3p22.1.
Variant type: single nucleotide variant.
Coding change: c.767T>C on transcript NM_001904.4 (MANE Select); coding-DNA position 767, T replaced by C.
Protein change: p.Ile256Thr; replaces isoleucine 256 with threonine.
Molecular consequence: missense variant.
Genome position (GRCh38, 1-based): chr3:41,225,692, T>C. VCF-style: chr3-41225692-T-C. GRCh37 (hg19) VCF-style: chr3-41267183-T-C.
Other names: c.767T>C, p.Ile256Thr (NM_001098209.2, NM_001098210.2); c.746T>C, p.Ile249Thr (NM_001330729.2); short protein forms I249T, I256T.
Identifiers: ClinVar variation 3612910 (VCV003612910.2).

ClinVar aggregate classification (germline): Uncertain significance (1 of 4 stars; one submission).

Submission:

Labcorp Genetics (formerly Invitae), Labcorp
Classification: Uncertain significance. Last evaluated: 2024-06-22. Review status: criteria provided, single submitter. Criteria: Invitae Variant Classification Sherloc (09022015). Collection method: clinical testing. Allele origin: germline.
Comment: This sequence change replaces isoleucine, which is neutral and non-polar, with threonine, which is neutral and polar, at codon 256 of the CTNNB1 protein (p.Ile256Thr). This variant is not present in population databases (gnomAD no frequency). This variant has not been reported in the literature in individuals affected with CTNNB1-related conditions. Advanced modeling of protein sequence and biophysical properties (such as structural, functional, and spatial information, amino acid conservation, physicochemical variation, residue mobility, and thermodynamic stability) performed at Invitae indicates that this missense variant is expected to disrupt CTNNB1 protein function with a positive predictive value of 80%. In summary, the available evidence is currently insufficient to determine the role of this variant in disease. Therefore, it has been classified as a Variant of Uncertain Significance.